The following is an entry in ClinVar:

ClinVar aggregate classification (germline): Uncertain significance (0 of 4 stars; one submission).

Conditions:
NCOA1-related disorder. Also called: NCOA1-related condition.

Submission:

PreventionGenetics, part of Exact Sciences
Classification: Uncertain significance for NCOA1-related condition. Last evaluated: 2023-10-25. Review status: no assertion criteria provided. Collection method: clinical testing. Allele origin: germline.
Comment: The NCOA1 c.146T>A variant is predicted to result in premature protein termination (p.Leu49*). To our knowledge, this variant has not been reported in the literature or in a large population database, indicating this variant is rare. At this time, the clinical significance of this variant is uncertain due to the absence of conclusive functional and genetic evidence.

NM_003743.5(NCOA1):c.146T>A (p.Leu49Ter)

Gene: NCOA1 (nuclear receptor coactivator 1; plus strand). Cytogenetic location: 2p23.3.
Variant type: single nucleotide variant.
Coding change: c.146T>A on transcript NM_003743.5 (MANE Select); coding-DNA position 146, T replaced by A.
Protein change: p.Leu49Ter; replaces leucine 49 with a stop codon.
Molecular consequence: nonsense.
Genome position (GRCh38, 1-based): chr2:24,665,805, T>A. VCF-style: chr2-24665805-T-A. GRCh37 (hg19) VCF-style: chr2-24888674-T-A.
Other names: c.146T>A, p.Leu49Ter (NM_001362950.1, NM_001362952.1, NM_001362954.1 and 3 more transcripts); short protein forms L49*.
Identifiers: ClinVar variation 3349646 (VCV003349646.1).
Genomic context (GRCh38, chr2:24,665,805, plus strand): 5'-ACAGCACGGAAAAGAGGCGCAGGGAGCAAGAAAATAAATATTTAGAAGAACTAGCTGAGT[T>A]ACTGTCTGCCAACATTAGTGACATTGACAGCTTGAGTGTAAAACCAGACAAATGCAAGAT-3'